The following is an entry in ClinVar:

ClinVar aggregate classification (germline): Benign/Likely benign. Review status: criteria provided, multiple submitters, no conflicts (2 of 4 stars). 10 submissions from 10 submitters: Benign (6); Likely benign (3). 1 of the submissions does not count toward it. Last evaluated 2026-01-11.

Conditions:
Monogenic diabetes. Identifiers: Orphanet 183625, MedGen C3888631, MONDO:0015967.
Maturity-onset diabetes of the young type 7 (MODY7). Identifiers: Orphanet 552, MedGen C1864839, MONDO:0012513, OMIM 610508.

Allele frequency attached by ClinVar (database versions not stated): ExAC 0.00421; gnomAD 0.01221 and 0.01310; 1000 Genomes Project 0.01238; 1000 Genomes Project 30x 0.01327; TOPMed 0.01419.

Submissions (10):

Labcorp Genetics (formerly Invitae), Labcorp
Classification: Benign. Last evaluated: 2026-01-11. Review status: criteria provided, single submitter. Criteria: Invitae Variant Classification Sherloc (09022015). Collection method: clinical testing. Allele origin: germline.

Blueprint Genetics
Classification: Likely benign. Last evaluated: 2024-11-11. Review status: criteria provided, single submitter. Criteria: ACMG Guidelines, 2015. Collection method: clinical testing. Allele origin: germline.

ARUP Laboratories, Molecular Genetics and Genomics, ARUP Laboratories
Classification: Benign for Maturity-onset diabetes of the young type 7. Last evaluated: 2023-11-22. Review status: criteria provided, single submitter. Criteria: ARUP Molecular Germline Variant Investigation Process 2024. Collection method: clinical testing. Allele origin: germline.

GeneDx
Classification: Benign. Last evaluated: 2021-05-03. Review status: criteria provided, single submitter. Criteria: GeneDx Variant Classification Process June 2021. Collection method: clinical testing. Allele origin: germline. Affected: yes.
Comment: This variant is associated with the following publications: (PMID: 22995991, 24123366, 20981092, 15774581)

Illumina Laboratory Services, Illumina
Classification: Likely benign for Maturity-onset diabetes of the young type 7. Last evaluated: 2017-04-28. Review status: criteria provided, single submitter. Criteria: ICSL Variant Classification Criteria 13 December 2019. Collection method: clinical testing. Allele origin: germline.
Comment: This variant was observed as part of a predisposition screen in an ostensibly healthy population. A literature search was performed for the gene, cDNA change, and amino acid change (where applicable). Publications were found based on this search. The evidence from the literature, in combination with allele frequency data from public databases where available, was sufficient to determine this variant is unlikely to cause disease. Therefore, this variant is classified as likely benign.

Personalized Diabetes Medicine Program, University of Maryland School of Medicine
Classification: Benign for Monogenic diabetes. Last evaluated: 2017-01-13. Review status: criteria provided, single submitter. Criteria: ACMG Guidelines, 2015. Collection method: research. Allele origin: unknown. Observed: 3 variant alleles, 3 heterozygotes. Study: Personalized Diabetes Medicine Program.
Comment: ACMG Criteria:BS2 (8 homozygotes in ExAC (african population)), BS1 (4% in African population in ESP), BP4 (6 predictors) and PP3 (3 predictors)

Center for Pediatric Genomic Medicine, Children's Mercy Hospital and Clinics
Classification: Benign. Last evaluated: 2016-10-11. Review status: criteria provided, single submitter. Criteria: ACMG Guidelines, 2015. Collection method: clinical testing. Allele origin: germline.

Breakthrough Genomics
Classification: Likely benign. Review status: criteria provided, single submitter. Criteria: ACMG Guidelines, 2015. Collection method: not provided. Allele origin: germline. Inheritance: Unknown mechanism. Affected: yes.

PreventionGenetics, part of Exact Sciences
Classification: Benign. Review status: criteria provided, single submitter. Criteria: ACMG Guidelines, 2015. Collection method: clinical testing. Allele origin: germline.

OMIM
Classification: Pathogenic for MATURITY-ONSET DIABETES OF THE YOUNG, TYPE 7. Last evaluated: 2005-03-29. Review status: no assertion criteria provided. Collection method: literature only. Allele origin: germline. Not counted in ClinVar's aggregate classification.

Literature cited by the submitters: PubMed 17130512 (cited by Illumina Laboratory Services, Illumina); PubMed 19122346 (cited by Illumina Laboratory Services, Illumina); PubMed 18593768 (cited by Illumina Laboratory Services, Illumina); PubMed 15774581 (cited by Illumina Laboratory Services, Illumina and OMIM); PubMed 19843526 (cited by Illumina Laboratory Services, Illumina).

NM_003597.5(KLF11):c.659C>T (p.Thr220Met)

Gene: KLF11 (KLF transcription factor 11; plus strand). Cytogenetic location: 2p25.1.
Variant type: single nucleotide variant.
Coding change: c.659C>T on transcript NM_003597.5 (MANE Select); coding-DNA position 659, C replaced by T.
Protein change: p.Thr220Met; replaces threonine 220 with methionine.
Molecular consequence: missense variant.
Genome position (GRCh38, 1-based): chr2:10,047,996, C>T. VCF-style: chr2-10047996-C-T. GRCh37 (hg19) VCF-style: chr2-10188123-C-T.
Other names: c.608C>T, p.Thr203Met (NM_001177716.2, NM_001177718.2); short protein forms T220M, T203M.
Identifiers: ClinVar variation 6499 (VCV000006499.19), dbSNP rs34336420, ClinGen allele CA118318.